The following is an entry in ClinVar:

ClinVar aggregate classification (germline): Pathogenic/Likely pathogenic. Review status: criteria provided, multiple submitters, no conflicts (2 of 4 stars). 2 submissions from 2 submitters: Pathogenic (1); Likely pathogenic (1). Last evaluated 2019-11-11.

Conditions:
Spastic paraplegia. Identifiers: MedGen C0037772, HP:0001258.

Submissions (2):

Labcorp Genetics (formerly Invitae), Labcorp
Classification: Pathogenic for Spastic paraplegia. Last evaluated: 2019-11-11. Review status: criteria provided, single submitter. Criteria: Invitae Variant Classification Sherloc (09022015). Collection method: clinical testing. Allele origin: germline.
Comment: For these reasons, this variant has been classified as Pathogenic. Nucleotide substitutions within the consensus splice site are a relatively common cause of aberrant splicing (PMID: 17576681, 9536098). Algorithms developed to predict the effect of sequence changes on RNA splicing suggest that this variant may disrupt the consensus splice site, but this prediction has not been confirmed by published transcriptional studies. This variant has been observed in individual(s) with L1CAM-related conditions (Invitae). In at least one individual the variant was observed to be de novo. ClinVar contains an entry for this variant (Variation ID: 432107). This variant is not present in population databases (ExAC no frequency). This sequence change falls in intron 18 of the L1CAM gene. It does not directly change the encoded amino acid sequence of the L1CAM protein, but it affects a nucleotide within the consensus splice site of the intron.

GeneDx
Classification: Likely pathogenic. Last evaluated: 2016-03-07. Review status: criteria provided, single submitter. Criteria: GeneDx Variant Classification (06012015). Collection method: clinical testing. Allele origin: germline. Affected: yes.
Comment: The c.2431+5 G>A variant has not been published as a pathogenic variant, nor has it been reported as a benign variant to our knowledge. The c.2431+5 G>A variant was not observed in approximately 6500 individuals of European and African American ancestry in the NHLBI Exome Sequencing Project, indicating it is not a common benign variant in these populations. Several in-silico splice prediction models predict that c.2431+5 G>A destroys the natural donor site which may lead to abnormal gene splicing. However, in the absence of RNA/functional studies, the actual effect of this sequence change in this individual is unknown. Therefore, this variant is likely pathogenic; however, the possibility that it is benign cannot be excluded.

Literature cited by the submitters: PubMed 17576681 (cited by Labcorp Genetics (formerly Invitae), Labcorp); PubMed 9536098 (cited by Labcorp Genetics (formerly Invitae), Labcorp).

NM_001278116.2(L1CAM):c.2431+5G>A

Gene: L1CAM (L1 cell adhesion molecule; minus strand). Cytogenetic location: Xq28.
Variant type: single nucleotide variant.
Coding change: c.2431+5G>A on transcript NM_001278116.2 (MANE Select); 5 bases into the intron after coding-DNA position 2431, G replaced by A.
Molecular consequence: intron variant.
Genome position (GRCh38, 1-based): chrX:153,866,644, C>T on the plus strand (G>A on the coding strand, the complement: L1CAM is on the minus strand). VCF-style: chrX-153866644-C-T. GRCh37 (hg19) VCF-style: chrX-153132099-C-T.
Other names: c.2416+5G>A (NM_001143963.2); c.2431+5G>A (NM_024003.3, NM_000425.5).
Identifiers: ClinVar variation 432107 (VCV000432107.11), dbSNP rs1557090943, ClinGen allele CA645372694.